The following is an entry in ClinVar:

NM_006206.6(PDGFRA):c.1891+9T>C

Gene: PDGFRA (platelet derived growth factor receptor alpha; plus strand). Cytogenetic location: 4q12.
Variant type: single nucleotide variant.
Coding change: c.1891+9T>C on transcript NM_006206.6 (MANE Select); 9 bases into the intron after coding-DNA position 1891, T replaced by C.
Molecular consequence: intron variant.
Genome position (GRCh38, 1-based): chr4:54,277,501, T>C. VCF-style: chr4-54277501-T-C. GRCh37 (hg19) VCF-style: chr4-55143668-T-C.
Other names: c.1966+9T>C (NM_001347828.2); c.1891+9T>C (NM_001347827.2, NM_001347829.2); c.1930+9T>C (NM_001347830.2).
Identifiers: ClinVar variation 2104042 (VCV002104042.5), dbSNP rs1723804939, ClinGen allele CA1458536710.

ClinVar aggregate classification (germline): Likely benign. Review status: criteria provided, multiple submitters, no conflicts (2 of 4 stars). 2 submissions from 2 submitters: Likely benign (2). Last evaluated 2026-06-15.

Conditions:
Polyps, multiple and recurrent inflammatory fibroid, gastrointestinal. Identifiers: MedGen C5193005, MONDO:0008285, OMIM 175510.
Gastrointestinal stromal tumor. Also called: Gastrointestinal stroma tumor; Gastrointestinal stromal tumor, somatic. Identifiers: Orphanet 44890, MedGen C0238198, MeSH D046152, MONDO:0011719, OMIM 606764, HP:0100723.

Submissions (2):

Myriad Genetics, Inc.
Classification: Likely benign for Polyps, multiple and recurrent inflammatory fibroid, gastrointestinal. Last evaluated: 2026-06-15. Review status: criteria provided, single submitter. Criteria: Myriad Autosomal Dominant, Autosomal Recessive and X-Linked Classification Criteria (2023). Collection method: clinical testing. Allele origin: unknown.
Comment: This variant is considered likely benign. This variant is intronic and is not expected to impact mRNA splicing.

Labcorp Genetics (formerly Invitae), Labcorp
Classification: Likely benign for Gastrointestinal stromal tumor. Last evaluated: 2022-03-21. Review status: criteria provided, single submitter. Criteria: Invitae Variant Classification Sherloc (09022015). Collection method: clinical testing. Allele origin: germline.